The following is an entry in ClinVar:

NM_018979.4(WNK1):c.4108G>A (p.Val1370Ile)

Gene: WNK1 (WNK lysine deficient protein kinase 1; plus strand). Cytogenetic location: 12p13.33.
Variant type: single nucleotide variant.
Coding change: c.4108G>A on transcript NM_018979.4 (MANE Select); coding-DNA position 4108, G replaced by A.
Protein change: p.Val1370Ile; replaces valine 1370 with isoleucine.
Molecular consequence: missense variant.
Genome position (GRCh38, 1-based): chr12:884,912, G>A. VCF-style: chr12-884912-G-A. GRCh37 (hg19) VCF-style: chr12-994078-G-A.
Other names: c.4888G>A, p.Val1630Ile (NM_001184985.2); c.3367G>A, p.Val1123Ile (NM_014823.3); c.4864G>A, p.Val1622Ile (NM_213655.5); short protein forms V1622I, V1370I, V1630I, V1123I.
Identifiers: ClinVar variation 568819 (VCV000568819.8), dbSNP rs1565581431, ClinGen allele CA383330578.
Genomic context (GRCh38, chr12:884,912, plus strand): 5'-GCAGCAGCCACAGCACCAGTCCCTGCAACAAGCAGCCCTCCTAATGACATTTCCACATCA[G>A]TAATTCAGTCTGAGGTTACAGTGCCCACTGAAGAGGGGATTGCTGGAGTTGCCACCAGCA-3'
Protein context (NP_061852.3, residues 1360-1380): SSPPNDISTS[Val1370Ile]IQSEVTVPTE

ClinVar aggregate classification (germline): Uncertain significance (1 of 4 stars; one submission).

Conditions:
Neuropathy, hereditary sensory and autonomic, type 2A (HSAN2A). Also called: HSAN IIA; ACROOSTEOLYSIS, GIACCAI TYPE; ACROOSTEOLYSIS, NEUROGENIC; WNK1-Related HSAN2 (HSAN2A); MORVAN DISEASE; NEUROPATHY, CONGENITAL SENSORY. Identifiers: Orphanet 970, MedGen C2752089, MONDO:0024309, OMIM 201300.
Pseudohypoaldosteronism type 2C (PHA2C). Also called: Pseudohypoaldosteronism Type IIC. Identifiers: Orphanet 757, Orphanet 88940, MedGen C1840391, MONDO:0013778, OMIM 614492.

Allele frequency attached by ClinVar (database versions not stated): gnomAD exomes below 0.00001.
gnomAD v4.1: 6 of 1,614,170 alleles (0.00037%); highest among the groups gnomAD compares: Non-Finnish European, 0.00051%; no homozygotes.

Submission:

Labcorp Genetics (formerly Invitae), Labcorp
Classification: Uncertain significance for Neuropathy, hereditary sensory and autonomic, type 2A; Pseudohypoaldosteronism type 2C. Last evaluated: 2022-02-04. Review status: criteria provided, single submitter. Criteria: Invitae Variant Classification Sherloc (09022015). Collection method: clinical testing. Allele origin: germline.
Comment: This sequence change replaces valine, which is neutral and non-polar, with isoleucine, which is neutral and non-polar, at codon 1370 of the WNK1 protein (p.Val1370Ile). In summary, the available evidence is currently insufficient to determine the role of this variant in disease. Therefore, it has been classified as a Variant of Uncertain Significance. Advanced modeling of protein sequence and biophysical properties (such as structural, functional, and spatial information, amino acid conservation, physicochemical variation, residue mobility, and thermodynamic stability) performed at Invitae indicates that this missense variant is not expected to disrupt WNK1 protein function. ClinVar contains an entry for this variant (Variation ID: 568819). This variant has not been reported in the literature in individuals affected with WNK1-related conditions. This variant is not present in population databases (gnomAD no frequency).